The following is an entry in ClinVar:

NM_001386393.1(PANK2):c.1082+1G>C

Gene: PANK2 (pantothenate kinase 2; plus strand). Cytogenetic location: 20p13.
Variant type: single nucleotide variant.
Coding change: c.1082+1G>C on transcript NM_001386393.1 (MANE Select); the canonical splice donor site of the intron after coding-DNA position 1082, G replaced by C.
Molecular consequence: splice donor variant.
Genome position (GRCh38, 1-based): chr20:3,912,635, G>C. VCF-style: chr20-3912635-G-C. GRCh37 (hg19) VCF-style: chr20-3893282-G-C.
Other names: c.539+1G>C (NM_024960.6, NM_001324191.2, NM_153640.4); c.1412+1G>C (NM_153638.4, NM_153638.3); c.104+1G>C (NM_001324193.2).
Identifiers: ClinVar variation 652533 (VCV000652533.10), dbSNP rs1600548506, ClinGen allele CA408118080.

ClinVar aggregate classification (germline): Likely pathogenic. Review status: criteria provided, multiple submitters, no conflicts (2 of 4 stars). 3 submissions from 3 submitters: Likely pathogenic (3). Last evaluated 2024-01-05.

Conditions:
Pigmentary pallidal degeneration (NBIA1). Also called: Pantothenate Kinase-Associated Neurodegeneration; Neuroaxonal dystrophy, late infantile; Hallervorden-Spatz disease; Neurodegeneration with brain iron accumulation 1; PKAN NEUROAXONAL DYSTROPHY, JUVENILE-ONSET; HARP SYNDROME. Identifiers: Orphanet 157850, MedGen C0018523, MONDO:0009319, OMIM 234200.

Submissions (3):

Fulgent Genetics
Classification: Likely pathogenic for Pigmentary pallidal degeneration. Last evaluated: 2024-01-05. Review status: criteria provided, single submitter. Criteria: ACMG Guidelines, 2015. Collection method: clinical testing. Allele origin: germline.

Division Of Personalized Genomic Medicine, Columbia University Irving Medical Center
Classification: Likely pathogenic for Pigmentary pallidal degeneration. Last evaluated: 2020-02-13. Review status: criteria provided, single submitter. Criteria: ACMG Guidelines, 2015. Collection method: clinical testing. Allele origin: biparental. Inheritance: Autosomal recessive inheritance. Affected: yes. Observed: 1 homozygote.
Comment: The c.1412+1G>C variant in the PANK2 gene is a homozgyous canonical splice site variant, which results in a single base pair substitution in intron 4 of 6 (NM_153638.3). Canonical splice site variants are precited to result in a null effect; however, this impact on protein has not been confirmed through functional studies. Loss-of-function variants in PANK2 have been established to be pathogenic (PMID: 12510040). This variant is absent in the Genome Aggregation Database (gnomAD), indicating it is not a common benign variant in the populations represented in this database. To the best of our knowledge, this specific variant has not been described in the literature to be associated with disease. However, it has been classified by another laboratory as likely pathogenic in the ClinVar database (Variant ID: 652533).

Labcorp Genetics (formerly Invitae), Labcorp
Classification: Likely pathogenic for Pigmentary pallidal degeneration. Last evaluated: 2018-08-03. Review status: criteria provided, single submitter. Criteria: Invitae Variant Classification Sherloc (09022015). Collection method: clinical testing. Allele origin: germline.
Comment: This sequence change affects a donor splice site in intron 4 of the PANK2 gene. It is expected to disrupt RNA splicing and likely results in an absent or disrupted protein product. This variant is not present in population databases (ExAC no frequency). This variant has not been reported in the literature in individuals with PANK2-related disease. Donor and acceptor splice site variants typically lead to a loss of protein function (PMID: 16199547), and loss-of-function variants in PANK2 are known to be pathogenic (PMID: 11479594, 12510040). In summary, the currently available evidence indicates that the variant is pathogenic, but additional data are needed to prove that conclusively. Therefore, this variant has been classified as Likely Pathogenic.

Literature cited by the submitters: PubMed 12510040 (cited by Division Of Personalized Genomic Medicine, Columbia University Irving Medical Center and Labcorp Genetics (formerly Invitae), Labcorp); PubMed 16199547 (cited by Labcorp Genetics (formerly Invitae), Labcorp); PubMed 11479594 (cited by Labcorp Genetics (formerly Invitae), Labcorp).